The following is an entry in ClinVar:

NM_139343.3(BIN1):c.1408C>G (p.Pro470Ala)

Gene: BIN1 (bridging integrator 1; minus strand). Cytogenetic location: 2q14.3.
Variant type: single nucleotide variant.
Coding change: c.1408C>G on transcript NM_139343.3 (MANE Select); coding-DNA position 1408, C replaced by G.
Protein change: p.Pro470Ala; replaces proline 470 with alanine.
Molecular consequence: missense variant. On other transcripts: intron variant (3).
Genome position (GRCh38, 1-based): chr2:127,051,207, G>C on the plus strand (C>G on the coding strand, the complement: BIN1 is on the minus strand). VCF-style: chr2-127051207-G-C. GRCh37 (hg19) VCF-style: chr2-127808783-G-C.
Other names: c.1183C>G, p.Pro395Ala (NM_139347.3); c.1075C>G, p.Pro359Ala (NM_139348.3); c.1054C>G, p.Pro352Ala (NM_139349.3); c.946C>G, p.Pro316Ala (NM_139350.3); c.838-295C>G (NM_001320634.1); c.910-295C>G (NM_139351.3); c.955-295C>G (NM_001320632.2); c.1039C>G, p.Pro347Ala (NM_001320633.2); and 7 more; short protein forms P316A, P359A, P390A, P395A, P347A, P374A, P383A, P470A.
Identifiers: ClinVar variation 1962381 (VCV001962381.5), dbSNP rs776178572, ClinGen allele CA1857064.
Genomic context (GRCh38, chr2:127,051,207, plus strand): 5'-GTCTTACGGAGGCTGCTTCACTTGCCGCCGTCTCCCCTGGCTCCTGGGCTCCAGCCGCAG[G>C]TTGGGTCCCACCCGCCACCTCCGAGGCCTCTGCTGGCTGCAACATAAATGCCGGCTTGGG-3'
Protein context (NP_647593.1, residues 460-480): EASEVAGGTQ[Pro470Ala]AAGAQEPGET

ClinVar aggregate classification (germline): Uncertain significance (1 of 4 stars; one submission).

Conditions:
Myopathy, centronuclear, 2 (CNM2). Also called: MYOTUBULAR MYOPATHY, AUTOSOMAL RECESSIVE. Identifiers: Orphanet 169186, MedGen CN031787, MONDO:0009709, OMIM 255200.

Allele frequency attached by ClinVar (database versions not stated): TOPMed below 0.00001; ExAC 0.00001; gnomAD 0.00001.
gnomAD v4.1: 5 of 1,613,568 alleles (0.00031%); highest among the groups gnomAD compares: Non-Finnish European, 0.00042%; no homozygotes.

Submission:

Labcorp Genetics (formerly Invitae), Labcorp
Classification: Uncertain significance for Myopathy, centronuclear, 2. Last evaluated: 2023-05-22. Review status: criteria provided, single submitter. Criteria: Invitae Variant Classification Sherloc (09022015). Collection method: clinical testing. Allele origin: germline.
Comment: In summary, the available evidence is currently insufficient to determine the role of this variant in disease. Therefore, it has been classified as a Variant of Uncertain Significance. An algorithm developed to predict the effect of missense changes on protein structure and function (PolyPhen-2) suggests that this variant is likely to be tolerated. ClinVar contains an entry for this variant (Variation ID: 1962381). This variant has not been reported in the literature in individuals affected with BIN1-related conditions. This variant is present in population databases (rs776178572, gnomAD 0.002%). This sequence change replaces proline, which is neutral and non-polar, with alanine, which is neutral and non-polar, at codon 470 of the BIN1 protein (p.Pro470Ala).